The following is an entry in ClinVar:

NM_016734.3(PAX5):c.1105C>G (p.Pro369Ala)

Gene: PAX5 (paired box 5; minus strand). Cytogenetic location: 9p13.2.
Variant type: single nucleotide variant.
Coding change: c.1105C>G on transcript NM_016734.3 (MANE Select); coding-DNA position 1105, C replaced by G.
Protein change: p.Pro369Ala; replaces proline 369 with alanine.
Molecular consequence: missense variant. On other transcripts: non-coding transcript variant (2), synonymous variant (2).
Genome position (GRCh38, 1-based): chr9:36,840,631, G>C on the plus strand (C>G on the coding strand, the complement: PAX5 is on the minus strand). VCF-style: chr9-36840631-G-C. GRCh37 (hg19) VCF-style: chr9-36840628-G-C.
Other names: c.805C>G, p.Pro269Ala (NM_001280555.2); c.781C>G, p.Pro261Ala (NM_001280556.2); c.1003C>G, p.Pro335Ala (NM_001280547.2); c.1018C>G, p.Pro340Ala (NM_001280548.2); c.873C>G, p.Pro291= (NM_001280549.2); c.786C>G, p.Pro262= (NM_001280550.2); c.592C>G, p.Pro198Ala (NM_001280551.2); c.916C>G, p.Pro306Ala (NM_001280552.2); and 2 more; short protein forms P326A, P261A, P306A, P340A, P297A, P335A, P369A, P198A.
Identifiers: ClinVar variation 4131417 (VCV004131417.1).

ClinVar aggregate classification (germline): Uncertain significance (1 of 4 stars; one submission).

Conditions:
Inborn genetic diseases. Identifiers: MedGen C0950123, MeSH D030342.

gnomAD v4.1: 2 of 1,566,058 alleles (0.00013%); highest among the groups gnomAD compares: South Asian, 0.0023%; no homozygotes.

Submission:

Ambry Genetics
Classification: Uncertain significance for Inborn genetic diseases. Last evaluated: 2025-07-28. Review status: criteria provided, single submitter. Criteria: Ambry Variant Classification Scheme 2023. Collection method: clinical testing. Allele origin: germline.
Comment: The p.P369A variant (also known as c.1105C>G), located in coding exon 10 of the PAX5 gene, results from a C to G substitution at nucleotide position 1105. The proline at codon 369 is replaced by alanine, an amino acid with highly similar properties. This amino acid position is conserved. In addition, this alteration is predicted to be deleterious by in silico analysis. Based on the available evidence, the clinical significance of this variant remains unclear.